The following is an entry in ClinVar:

ClinVar aggregate classification (germline): Uncertain significance. Review status: criteria provided, multiple submitters, no conflicts (2 of 4 stars). 3 submissions from 3 submitters: Uncertain significance (3). Last evaluated 2026-01-14.

Conditions:
Cardiovascular phenotype. Identifiers: MedGen CN230736.

Allele frequency attached by ClinVar (database versions not stated): gnomAD exomes below 0.00001; TOPMed below 0.00001; gnomAD 0.00001.
gnomAD v4.1: 8 of 1,613,646 alleles (0.0005%); highest among the groups gnomAD compares: Non-Finnish European, 0.00059%; no homozygotes.

Submissions (3):

Ambry Genetics
Classification: Uncertain significance for Cardiovascular phenotype. Last evaluated: 2026-01-14. Review status: criteria provided, single submitter. Criteria: Ambry Variant Classification Scheme 2023. Collection method: clinical testing. Allele origin: germline.

Labcorp Genetics (formerly Invitae), Labcorp
Classification: Uncertain significance. Last evaluated: 2024-02-23. Review status: criteria provided, single submitter. Criteria: Invitae Variant Classification Sherloc (09022015). Collection method: clinical testing. Allele origin: germline.
Comment: This sequence change replaces alanine, which is neutral and non-polar, with valine, which is neutral and non-polar, at codon 356 of the ALPK3 protein (p.Ala356Val). This variant is not present in population databases (gnomAD no frequency). This variant has not been reported in the literature in individuals affected with ALPK3-related conditions. ClinVar contains an entry for this variant (Variation ID: 1434999). An algorithm developed to predict the effect of missense changes on protein structure and function (PolyPhen-2) suggests that this variant is likely to be disruptive. In summary, the available evidence is currently insufficient to determine the role of this variant in disease. Therefore, it has been classified as a Variant of Uncertain Significance.

GeneDx
Classification: Uncertain significance. Last evaluated: 2022-05-24. Review status: criteria provided, single submitter. Criteria: GeneDx Variant Classification Process June 2021. Collection method: clinical testing. Allele origin: germline. Affected: yes.
Comment: Has not been previously published as pathogenic or benign to our knowledge; Not observed at significant frequency in large population cohorts (gnomAD); In silico analysis supports that this missense variant has a deleterious effect on protein structure/function

NM_020778.5(ALPK3):c.461C>T (p.Ala154Val)

Gene: ALPK3 (alpha kinase 3; plus strand). Cytogenetic location: 15q25.3.
Variant type: single nucleotide variant.
Coding change: c.461C>T on transcript NM_020778.5 (MANE Select); coding-DNA position 461, C replaced by T.
Protein change: p.Ala154Val; replaces alanine 154 with valine.
Molecular consequence: missense variant.
Genome position (GRCh38, 1-based): chr15:84,839,740, C>T. VCF-style: chr15-84839740-C-T. GRCh37 (hg19) VCF-style: chr15-85382971-C-T.
Other names: short protein forms A154V.
Identifiers: ClinVar variation 1434999 (VCV001434999.13), dbSNP rs913849174, ClinGen allele CA273664941.
Genomic context (GRCh38, chr15:84,839,740, plus strand): 5'-CACCTCCCGCTCCTACCTCTAGGTGTCGAGAAGAAGATGCCGCCATCTACCAGGCCTCTG[C>T]CCAGAACAGCAAGGGCATTGTGTCCTGCTCAGGGGTCCTGGAGGTGGGCACCATGACTGA-3'
Protein context (NP_065829.4, residues 144-164): EEDAAIYQAS[Ala154Val]QNSKGIVSCS